The following is an entry in ClinVar:

NM_181486.4(TBX5):c.*97G>A

Gene: TBX5 (T-box transcription factor 5; minus strand). Cytogenetic location: 12q24.21.
Variant type: single nucleotide variant.
Coding change: c.*97G>A on transcript NM_181486.4 (MANE Select); 97 bases downstream of the stop codon, G replaced by A.
Molecular consequence: 3 prime UTR variant.
Genome position (GRCh38, 1-based): chr12:114,355,435, C>T on the plus strand (G>A on the coding strand, the complement: TBX5 is on the minus strand). VCF-style: chr12-114355435-C-T. GRCh37 (hg19) VCF-style: chr12-114793240-C-T.
Other names: c.*97G>A (NM_000192.3, NM_080717.4).
Identifiers: ClinVar variation 307300 (VCV000307300.13), dbSNP rs883079, ClinGen allele CA6809291.

ClinVar aggregate classification (germline): Benign. Review status: criteria provided, multiple submitters, no conflicts (2 of 4 stars). 5 submissions from 5 submitters: Benign (3). 2 of the submissions do not count toward it. Last evaluated 2018-07-05.

Conditions:
Holt-Oram syndrome (HOS). Also called: Ventriculo-radial syndrome; Cardiac-limb syndrome; Heart-hand syndrome, type 1; TBX5-Related Holt-Oram Syndrome. Identifiers: Orphanet 392, MedGen C0265264, MONDO:0007732, OMIM 142900.

Allele frequency attached by ClinVar (database versions not stated): ExAC 0.68373; 1000 Genomes Project 0.57228; 1000 Genomes Project 30x 0.58011; TOPMed 0.65409.

Submissions (5):

GeneDx
Classification: Benign. Last evaluated: 2018-07-05. Review status: criteria provided, single submitter. Criteria: GeneDx Variant Classification Process June 2021. Collection method: clinical testing. Allele origin: germline. Affected: yes.

Illumina Laboratory Services, Illumina
Classification: Benign for Holt-Oram syndrome. Last evaluated: 2018-01-13. Review status: criteria provided, single submitter. Criteria: ICSL Variant Classification Criteria 13 December 2019. Collection method: clinical testing. Allele origin: germline.
Comment: This variant was observed in the ICSL laboratory as part of a predisposition screen in an ostensibly healthy population. It had not been previously curated by ICSL or reported in the Human Gene Mutation Database (HGMD: prior to June 1st, 2018), and was therefore a candidate for classification through an automated scoring system. Utilizing variant allele frequency, disease prevalence and penetrance estimates, and inheritance mode, an automated score was calculated to assess if this variant is too frequent to cause the disease. Based on the score and internal cut-off values, a variant classified as benign is not then subjected to further curation. The score for this variant resulted in a classification of benign for this disease.

Breakthrough Genomics
Classification: Benign. Review status: criteria provided, single submitter. Criteria: ACMG Guidelines, 2015. Collection method: not provided. Allele origin: germline. Inheritance: Autosomal dominant inheritance. Affected: yes.

Diagnostic Laboratory, Department of Genetics, University Medical Center Groningen
Classification: Benign. Review status: no assertion criteria provided. Collection method: clinical testing. Allele origin: germline. Affected: yes. Study: VKGL Data-share Consensus. Not counted in ClinVar's aggregate classification.

Joint Genome Diagnostic Labs from Nijmegen and Maastricht, Radboudumc and MUMC+
Classification: Benign. Review status: no assertion criteria provided. Collection method: clinical testing. Allele origin: germline. Affected: yes. Study: VKGL Data-share Consensus. Not counted in ClinVar's aggregate classification.